The following is an entry in ClinVar:

NM_024577.4(SH3TC2):c.3616G>A (p.Ala1206Thr)

Gene: SH3TC2 (SH3 domain and tetratricopeptide repeats 2; minus strand). Cytogenetic location: 5q32.
Variant type: single nucleotide variant.
Coding change: c.3616G>A on transcript NM_024577.4 (MANE Select); coding-DNA position 3616, G replaced by A.
Protein change: p.Ala1206Thr; replaces alanine 1206 with threonine.
Molecular consequence: missense variant.
Genome position (GRCh38, 1-based): chr5:149,006,940, C>T on the plus strand (G>A on the coding strand, the complement: SH3TC2 is on the minus strand). VCF-style: chr5-149006940-C-T. GRCh37 (hg19) VCF-style: chr5-148386503-C-T.
Other names: short protein forms A1206T.
Identifiers: ClinVar variation 916846 (VCV000916846.2), dbSNP rs148831039, ClinGen allele CA3498670.

ClinVar aggregate classification (germline): Uncertain significance. Review status: criteria provided, multiple submitters, no conflicts (2 of 4 stars). 2 submissions from 2 submitters: Uncertain significance (2). Last evaluated 2025-04-14.

Conditions:
Charcot-Marie-Tooth disease. Also called: Charcot-Marie-Tooth Hereditary Neuropathy; Charcot-Marie-Tooth Neuropathy. Identifiers: Orphanet 166, MedGen C0007959, MONDO:0015626.
Charcot-Marie-Tooth disease type 4. Also called: Charcot-Marie-Tooth, Type 4; Charcot-Marie-Tooth disease, type IV. Identifiers: Orphanet 64749, MedGen C4082197, MONDO:0018995.

Allele frequency attached by ClinVar (database versions not stated): ExAC 0.00002; gnomAD exomes 0.00002; ESP Exome Variant Server 0.00008.
gnomAD v4.1: 35 of 1,613,994 alleles (0.0022%); highest among the groups gnomAD compares: Non-Finnish European, 0.003%; no homozygotes.

Submissions (2):

Labcorp Genetics (formerly Invitae), Labcorp
Classification: Uncertain significance for Charcot-Marie-Tooth disease type 4. Last evaluated: 2025-04-14. Review status: criteria provided, single submitter. Criteria: Invitae Variant Classification Sherloc (09022015). Collection method: clinical testing. Allele origin: germline.
Comment: This sequence change replaces alanine, which is neutral and non-polar, with threonine, which is neutral and polar, at codon 1206 of the SH3TC2 protein (p.Ala1206Thr). This variant is present in population databases (rs148831039, gnomAD 0.004%). This variant has not been reported in the literature in individuals affected with SH3TC2-related conditions. ClinVar contains an entry for this variant (Variation ID: 916846). Invitae Evidence Modeling of protein sequence and biophysical properties (such as structural, functional, and spatial information, amino acid conservation, physicochemical variation, residue mobility, and thermodynamic stability) indicates that this missense variant is not expected to disrupt SH3TC2 protein function with a negative predictive value of 95%. In summary, the available evidence is currently insufficient to determine the role of this variant in disease. Therefore, it has been classified as a Variant of Uncertain Significance.

Molecular Genetics Laboratory, London Health Sciences Centre
Classification: Uncertain significance for Charcot-Marie-Tooth disease. Review status: criteria provided, single submitter. Criteria: ACMG Guidelines, 2015. Collection method: clinical testing. Allele origin: germline. Affected: yes.